The following is an entry in ClinVar:

ClinVar aggregate classification (germline): Likely benign (1 of 4 stars; one submission).

Allele frequency attached by ClinVar (database versions not stated): 1000 Genomes Project 0.00300; 1000 Genomes Project 30x 0.00328; ExAC 0.00474; gnomAD 0.00504; TOPMed 0.00575; ESP Exome Variant Server 0.00630; gnomAD exomes 0.00679.
gnomAD v4.1: 10,725 of 1,614,040 alleles (0.66%); highest among the groups gnomAD compares: Middle Eastern, 1.4%; 52 homozygotes.

Submission:

CeGaT Center for Human Genetics Tuebingen
Classification: Likely benign. Last evaluated: 2023-03-01. Review status: criteria provided, single submitter. Criteria: CeGaT Center For Human Genetics Tuebingen Variant Classification Criteria Version 2. Collection method: clinical testing. Allele origin: germline. Affected: yes. Observed: 1 variant allele.
Comment: CDHR2: BP4, BS2

NM_017675.6(CDHR2):c.2014G>A (p.Glu672Lys)

Gene: CDHR2 (cadherin related family member 2; plus strand). Cytogenetic location: 5q35.2.
Variant type: single nucleotide variant.
Coding change: c.2014G>A on transcript NM_017675.6 (MANE Select); coding-DNA position 2014, G replaced by A.
Protein change: p.Glu672Lys; replaces glutamic acid 672 with lysine.
Molecular consequence: missense variant.
Genome position (GRCh38, 1-based): chr5:176,581,538, G>A. VCF-style: chr5-176581538-G-A. GRCh37 (hg19) VCF-style: chr5-176008539-G-A.
Other names: c.2014G>A, p.Glu672Lys (NM_001171976.2); short protein forms E672K.
Identifiers: ClinVar variation 2656090 (VCV002656090.24), dbSNP rs72809131, ClinGen allele CA3570754.
Genomic context (GRCh38, chr5:176,581,538, plus strand): 5'-GCCATCGACCCCGCCCTGGAGGGCCGCATTGTGCTGACAGTGCTTGTGTCTGACTGCGGC[G>A]AGCCTGTCCTCGGCACCAAAGTCAATGTCACCATCACTGTGGAGGTAAGGCCTCGCTTAG-3'
Protein context (NP_060145.3, residues 662-682): VLTVLVSDCG[Glu672Lys]PVLGTKVNVT